The following is an entry in ClinVar:

NM_000180.4(GUCY2D):c.2632C>T (p.Gln878Ter)

Gene: GUCY2D (guanylate cyclase 2D, retinal; plus strand). Cytogenetic location: 17p13.1.
Variant type: single nucleotide variant.
Coding change: c.2632C>T on transcript NM_000180.4 (MANE Select); coding-DNA position 2632, C replaced by T.
Protein change: p.Gln878Ter; replaces glutamine 878 with a stop codon.
Molecular consequence: nonsense.
Genome position (GRCh38, 1-based): chr17:8,014,914, C>T. VCF-style: chr17-8014914-C-T. GRCh37 (hg19) VCF-style: chr17-7918232-C-T.
Other names: short protein forms Q878*.
Identifiers: ClinVar variation 2953457 (VCV002953457.3), dbSNP rs2545426279, ClinGen allele CA397953978.

ClinVar aggregate classification (germline): Pathogenic (1 of 4 stars; one submission).

Conditions:
Cone-rod dystrophy 6 (CORD6). Also called: RETINAL CONE DYSTROPHY 2; Cone dystrophy progressive. Identifiers: Orphanet 1872, MedGen C1866293, MONDO:0011143, OMIM 601777.
Leber congenital amaurosis 1 (LCA1). Also called: RETINAL BLINDNESS, CONGENITAL; Congenital absence of the rods and cones; Leber's congenital tapetoretinal degeneration; Leber's congenital tapetoretinal dysplasia; AMAUROSIS CONGENITA OF LEBER I. Identifiers: Orphanet 65, MedGen C2931258, MONDO:0008764, OMIM 204000.

Submission:

Labcorp Genetics (formerly Invitae), Labcorp
Classification: Pathogenic for Leber congenital amaurosis 1; Cone-rod dystrophy 6. Last evaluated: 2023-11-01. Review status: criteria provided, single submitter. Criteria: Invitae Variant Classification Sherloc (09022015). Collection method: clinical testing. Allele origin: germline.
Comment: This sequence change creates a premature translational stop signal (p.Gln878*) in the GUCY2D gene. It is expected to result in an absent or disrupted protein product. Loss-of-function variants in GUCY2D are known to be pathogenic (PMID: 10951519, 11328726). This variant is not present in population databases (gnomAD no frequency). This variant has not been reported in the literature in individuals affected with GUCY2D-related conditions. Algorithms developed to predict the effect of sequence changes on RNA splicing suggest that this variant may create or strengthen a splice site. For these reasons, this variant has been classified as Pathogenic.

Literature cited by the submitters: PubMed 10951519; PubMed 11328726.